The following is an entry in ClinVar:

ClinVar aggregate classification (germline): Uncertain significance. Review status: criteria provided, multiple submitters, no conflicts (2 of 4 stars). 3 submissions from 3 submitters: Uncertain significance (3). Last evaluated 2024-01-07.

Conditions:
Cardiovascular phenotype. Identifiers: MedGen CN230736.
Long QT syndrome (LQTS). Identifiers: MedGen C0023976, MeSH D008133, MONDO:0002442. Disease mechanism: loss of function. Inheritance: Various modes of inheritance.
Cardiac arrhythmia, ankyrin-B-related. Also called: ANKYRIN-B SYNDROME. Identifiers: Orphanet 101016, Orphanet 768, MedGen C1970119, MONDO:0010958, OMIM 600919.

Allele frequency attached by ClinVar (database versions not stated): gnomAD exomes below 0.00001; ExAC 0.00001.
gnomAD v4.1: 28 of 1,614,006 alleles (0.0017%); highest among the groups gnomAD compares: Non-Finnish European, 0.0022%; no homozygotes.

Submissions (3):

Ambry Genetics
Classification: Uncertain significance for Cardiovascular phenotype. Last evaluated: 2024-01-07. Review status: criteria provided, single submitter. Criteria: Ambry Variant Classification Scheme 2023. Collection method: clinical testing. Allele origin: germline.
Comment: The p.V1939L variant (also known as c.5815G>C), located in coding exon 38 of the ANK2 gene, results from a G to C substitution at nucleotide position 5815. The valine at codon 1939 is replaced by leucine, an amino acid with highly similar properties. This amino acid position is conserved. In addition, this alteration is predicted to be tolerated by in silico analysis. Since supporting evidence is limited at this time, the clinical significance of this alteration remains unclear.

Labcorp Genetics (formerly Invitae), Labcorp
Classification: Uncertain significance for Long QT syndrome. Last evaluated: 2022-03-18. Review status: criteria provided, single submitter. Criteria: Invitae Variant Classification Sherloc (09022015). Collection method: clinical testing. Allele origin: germline.
Comment: This sequence change replaces valine, which is neutral and non-polar, with leucine, which is neutral and non-polar, at codon 1939 of the ANK2 protein (p.Val1939Leu). This variant is present in population databases (rs759195568, gnomAD 0.0009%). This variant has not been reported in the literature in individuals affected with ANK2-related conditions. ClinVar contains an entry for this variant (Variation ID: 864173). Algorithms developed to predict the effect of missense changes on protein structure and function (SIFT, PolyPhen-2, Align-GVGD) all suggest that this variant is likely to be tolerated. In summary, the available evidence is currently insufficient to determine the role of this variant in disease. Therefore, it has been classified as a Variant of Uncertain Significance.

Fulgent Genetics
Classification: Uncertain significance for Cardiac arrhythmia, ankyrin-B-related. Last evaluated: 2021-10-05. Review status: criteria provided, single submitter. Criteria: ACMG Guidelines, 2015. Collection method: clinical testing. Allele origin: unknown.

NM_001148.6(ANK2):c.5815G>C (p.Val1939Leu)

Genes: ANK2 (ankyrin 2; plus strand), LOC126807136 (MED14-independent group 3 enhancer GRCh37_chr4:114274931-114276130; plus strand). Cytogenetic location: 4q26.
Variant type: single nucleotide variant.
Coding change: c.5815G>C on transcript NM_001148.6 (MANE Select); coding-DNA position 5815, G replaced by C.
Protein change: p.Val1939Leu; replaces valine 1939 with leucine.
Molecular consequence: missense variant. On other transcripts: intron variant (68).
Genome position (GRCh38, 1-based): chr4:113,354,433, G>C. VCF-style: chr4-113354433-G-C. GRCh37 (hg19) VCF-style: chr4-114275589-G-C.
Other names: c.5581G>C, p.Val1861Leu (NM_001386142.1); c.2215G>C, p.Val739Leu (NM_001386166.1); c.5956G>C, p.Val1986Leu (NM_001386174.1); c.5932G>C, p.Val1978Leu (NM_001386175.1); c.4411+4184G>C (NM_001386186.2, NM_001386148.2); c.4213+4184G>C (NM_001354269.3); c.4291+4184G>C (NM_001386187.2); c.4252+4184G>C (NM_001386147.1); and 35 more; short protein forms V1939L, V1861L, V1978L, V1986L, V739L.
Identifiers: ClinVar variation 864173 (VCV000864173.9), dbSNP rs759195568, ClinGen allele CA3051307.